The following is an entry in ClinVar:

ClinVar aggregate classification (germline): Likely pathogenic (1 of 4 stars; one submission).

Submission:

Labcorp Genetics (formerly Invitae), Labcorp
Classification: Likely pathogenic. Last evaluated: 2025-03-31. Review status: criteria provided, single submitter. Criteria: Invitae Variant Classification Sherloc (09022015). Collection method: clinical testing. Allele origin: germline.
Comment: This sequence change replaces alanine, which is neutral and non-polar, with proline, which is neutral and non-polar, at codon 83 of the CLDN16 protein (p.Ala83Pro). This variant is not present in population databases (gnomAD no frequency). This missense change has been observed in individual(s) with clinical features of CLDN16-related conditions (internal data). It has also been observed to segregate with disease in related individuals. Invitae Evidence Modeling of protein sequence and biophysical properties (such as structural, functional, and spatial information, amino acid conservation, physicochemical variation, residue mobility, and thermodynamic stability) indicates that this missense variant is expected to disrupt CLDN16 protein function with a positive predictive value of 95%. In summary, the currently available evidence indicates that the variant is pathogenic, but additional data are needed to prove that conclusively. Therefore, this variant has been classified as Likely Pathogenic.

NM_006580.4(CLDN16):c.37G>C (p.Ala13Pro)

Gene: CLDN16 (claudin 16; plus strand). Cytogenetic location: 3q28.
Variant type: single nucleotide variant.
Coding change: c.37G>C on transcript NM_006580.4 (MANE Select); coding-DNA position 37, G replaced by C.
Protein change: p.Ala13Pro; replaces alanine 13 with proline.
Molecular consequence: missense variant.
Genome position (GRCh38, 1-based): chr3:190,388,366, G>C. VCF-style: chr3-190388366-G-C. GRCh37 (hg19) VCF-style: chr3-190106155-G-C.
Other names: c.37G>C, p.Ala13Pro (NM_001378492.1, NM_001378493.1); short protein forms A13P.
Identifiers: ClinVar variation 3674317 (VCV003674317.2).